The following is an entry in ClinVar:

ClinVar aggregate classification (germline): Benign. Review status: criteria provided, single submitter (1 of 4 stars). 2 submissions from 2 submitters: Benign (1). 1 of the submissions does not count toward it. Last evaluated 2025-08-10.

Conditions:
LMNB2-related disorder. Also called: LMNB2-related condition.
Lipodystrophy, partial, acquired, susceptibility to (APLD). Also called: APLD, SUSCEPTIBILITY TO. Identifiers: MedGen C3887501, MONDO:0100476, OMIM 608709.
Progressive myoclonic epilepsy type 9. Identifiers: Orphanet 457265, MedGen C4225289, MONDO:0014685, OMIM 616540.

Allele frequency attached by ClinVar (database versions not stated): gnomAD 0.00019; ESP Exome Variant Server 0.00031; gnomAD exomes 0.00008; ExAC 0.00009; TOPMed 0.00017.

Submissions (2):

Labcorp Genetics (formerly Invitae), Labcorp
Classification: Benign for Progressive myoclonic epilepsy type 9; Lipodystrophy, partial, acquired, susceptibility to. Last evaluated: 2025-08-10. Review status: criteria provided, single submitter. Criteria: Invitae Variant Classification Sherloc (09022015). Collection method: clinical testing. Allele origin: germline.

PreventionGenetics, part of Exact Sciences
Classification: Likely benign for LMNB2-related condition. Last evaluated: 2019-03-25. Review status: no assertion criteria provided. Collection method: clinical testing. Allele origin: germline. Not counted in ClinVar's aggregate classification.
Comment: This variant is classified as likely benign based on ACMG/AMP sequence variant interpretation guidelines (Richards et al. 2015 PMID: 25741868, with internal and published modifications).

NM_032737.4(LMNB2):c.685-5C>T

Gene: LMNB2 (lamin B2; minus strand). Cytogenetic location: 19p13.3.
Variant type: single nucleotide variant.
Coding change: c.685-5C>T on transcript NM_032737.4 (MANE Select); 5 bases into the intron before coding-DNA position 685, C replaced by T.
Molecular consequence: intron variant.
Genome position (GRCh38, 1-based): chr19:2,435,176, G>A on the plus strand (C>T on the coding strand, the complement: LMNB2 is on the minus strand). VCF-style: chr19-2435176-G-A. GRCh37 (hg19) VCF-style: chr19-2435174-G-A.
Other names: c.685-5C>T (NM_032737.3).
Identifiers: ClinVar variation 1624717 (VCV001624717.10), dbSNP rs369839679, ClinGen allele CA9067799.